The following is an entry in ClinVar:

ClinVar aggregate classification (germline): Likely benign. Review status: criteria provided, multiple submitters, no conflicts (2 of 4 stars). 2 submissions from 2 submitters: Likely benign (2). Last evaluated 2024-09-21.

Conditions:
Hereditary sensory and autonomic neuropathy type 6. Also called: Neuropathy, hereditary sensory and autonomic, type VI; HSAN VI. Identifiers: Orphanet 314381, MedGen C3539003, MONDO:0013839, OMIM 614653.
Epidermolysis bullosa simplex 3, localized or generalized intermediate, with BP230 deficiency (EBS3). Also called: Epidermolysis bullosa simplex due to BP230 deficiency; Epidermolysis bullosa simplex, autosomal recessive 2. Identifiers: Orphanet 412181, MedGen C3809470, MONDO:0014180, OMIM 615425.

Allele frequency attached by ClinVar (database versions not stated): TOPMed 0.00001; ExAC 0.00002; gnomAD 0.00002; gnomAD exomes 0.00002 and 0.00003; ESP Exome Variant Server 0.00008.
gnomAD v4.1: 49 of 1,613,846 alleles (0.003%); highest among the groups gnomAD compares: Non-Finnish European, 0.0038%; no homozygotes.

Submissions (2):

Labcorp Genetics (formerly Invitae), Labcorp
Classification: Likely benign for Epidermolysis bullosa simplex 3, localized or generalized intermediate, with BP230 deficiency; Hereditary sensory and autonomic neuropathy type 6. Last evaluated: 2024-09-21. Review status: criteria provided, single submitter. Criteria: Invitae Variant Classification Sherloc (09022015). Collection method: clinical testing. Allele origin: germline.

CeGaT Center for Human Genetics Tuebingen
Classification: Likely benign. Last evaluated: 2024-03-01. Review status: criteria provided, single submitter. Criteria: CeGaT Center For Human Genetics Tuebingen Variant Classification Criteria Version 2. Collection method: clinical testing. Allele origin: germline. Affected: yes. Observed: 1 variant allele.
Comment: DST: BP4, BP7

NM_001374736.1(DST):c.16365C>T (p.Thr5455=)

Gene: DST (dystonin; minus strand). Cytogenetic location: 6p12.1.
Variant type: single nucleotide variant.
Coding change: c.16365C>T on transcript NM_001374736.1 (MANE Select); coding-DNA position 16365, C replaced by T.
Protein change: p.Thr5455=; no amino-acid change (threonine 5455 retained).
Molecular consequence: synonymous variant.
Genome position (GRCh38, 1-based): chr6:56,552,427, G>A on the plus strand (C>T on the coding strand, the complement: DST is on the minus strand). VCF-style: chr6-56552427-G-A. GRCh37 (hg19) VCF-style: chr6-56417225-G-A.
Other names: c.10008C>T, p.Thr3336= (NM_001144769.5); c.9594C>T, p.Thr3198= (NM_001144770.2); c.16365C>T, p.Thr5455= (NM_001374722.1); c.15732C>T, p.Thr5244= (NM_001374729.1); c.9474C>T, p.Thr3158= (NM_001374730.1, NM_001386100.1, NM_183380.4); c.16392C>T, p.Thr5464= (NM_001374734.1); c.8496C>T, p.Thr2832= (NM_015548.5).
Identifiers: ClinVar variation 1097075 (VCV001097075.30), dbSNP rs371951779, ClinGen allele CA3867690.
Genomic context (GRCh38, chr6:56,552,427, plus strand): 5'-CTTGTTGCATTGTTTGCTTAAGGCCTCCAAGTCCCTTTTGATTCCAACAAGGTCAGGAGA[G>A]GTTTCTTCTGTGGCTAACATCATCTTGCAGGTTTTATTGGCATTGTCATTGCTTGCCATG-3'
Protein context (NP_001361665.1, residues 5445-5465): TCKMMLATEE[Thr5455=]SPDLVGIKRD